The following is an entry in ClinVar:

ClinVar aggregate classification (germline): Pathogenic/Likely pathogenic. Review status: criteria provided, multiple submitters, no conflicts (2 of 4 stars). 8 submissions from 8 submitters: Pathogenic (5); Likely pathogenic (1). 2 of the submissions do not count toward it. Last evaluated 2025-09-10.

Conditions:
Hereditary cancer-predisposing syndrome. Also called: Hereditary neoplastic syndrome; Tumor predisposition; Neoplastic Syndromes, Hereditary; Hereditary Cancer Syndrome. Identifiers: Orphanet 140162, MedGen C0027672, MeSH D009386, MONDO:0015356.
Fanconi anemia complementation group C (FANCC). Also called: FANCONI PANCYTOPENIA, TYPE 3; FACC; Fanconi anemia, group C; FANCC-Related Fanconi Anemia. Identifiers: Orphanet 84, MedGen C3468041, MONDO:0009213, OMIM 227645.
Fanconi anemia (FA). Also called: Fanconi's anemia. Identifiers: Orphanet 84, MedGen C0015625, MeSH D005199, MONDO:0019391.

gnomAD v4.1: 8 of 1,613,932 alleles (0.0005%); highest among the groups gnomAD compares: Non-Finnish European, 0.00068%; no homozygotes.

Submissions (8):

Labcorp Genetics (formerly Invitae), Labcorp
Classification: Pathogenic for Fanconi anemia. Last evaluated: 2025-09-10. Review status: criteria provided, single submitter. Criteria: Invitae Variant Classification Sherloc (09022015). Collection method: clinical testing. Allele origin: germline.
Comment: This sequence change creates a premature translational stop signal (p.Gln357*) in the FANCC gene. It is expected to result in an absent or disrupted protein product. Loss-of-function variants in FANCC are known to be pathogenic (PMID: 17924555). This variant is present in population databases (rs759900071, gnomAD 0.0009%). This premature translational stop signal has been observed in individual(s) with Fanconi anemia (PMID: 26740942). ClinVar contains an entry for this variant (Variation ID: 419252). Algorithms developed to predict the effect of sequence changes on RNA splicing suggest that this variant may disrupt the consensus splice site. For these reasons, this variant has been classified as Pathogenic.

Natera, Inc.
Classification: Pathogenic for Fanconi anemia. Last evaluated: 2025-08-10. Review status: criteria provided, single submitter. Criteria: Natera Variant Classification Schema (03/2026). Collection method: clinical testing. Allele origin: germline.
Comment: The c.1069C>T variant in FANCC is a nonsense variant predicted to introduce a stop codon at amino acid 357. This variant is expected to result in nonsense mediated decay, truncation, or a dysfunctional protein product. This variant is rare in the general population with a frequency below the threshold expected for the associated phenotype(s). This variant has been observed in one or more individuals affected with the associated recessive disease, as either homozygous or compound heterozygous with a second variant (PMID: 26740942). Given the available evidence, this variant is classified as Pathogenic.

Baylor Genetics
Classification: Pathogenic for Fanconi anemia complementation group C. Last evaluated: 2024-02-23. Review status: criteria provided, single submitter. Criteria: ACMG Guidelines, 2015. Collection method: clinical testing. Allele origin: unknown.

Ambry Genetics
Classification: Pathogenic for Hereditary cancer-predisposing syndrome. Last evaluated: 2023-11-08. Review status: criteria provided, single submitter. Criteria: Ambry Variant Classification Scheme 2023. Collection method: clinical testing. Allele origin: germline.
Comment: The p.Q357* pathogenic mutation (also known as c.1069C>T), located in coding exon 10 of the FANCC gene, results from a C to T substitution at nucleotide position 1069. This changes the amino acid from a glutamine to a stop codon within coding exon 10. This variant was reported in an individual with Fanconi anemia in conjunction with another nonsense variant (Nicchia E et al. Mol Genet Genomic Med, 2015 Nov;3:500-12). This alteration is expected to result in loss of function by premature protein truncation or nonsense-mediated mRNA decay. As such, this alteration is interpreted as a disease-causing mutation.

Fulgent Genetics
Classification: Likely pathogenic for Fanconi anemia complementation group C. Last evaluated: 2021-07-07. Review status: criteria provided, single submitter. Criteria: ACMG Guidelines, 2015. Collection method: clinical testing. Allele origin: unknown.

GeneDx
Classification: Pathogenic. Last evaluated: 2019-04-12. Review status: criteria provided, single submitter. Criteria: GeneDx Variant Classification Process June 2021. Collection method: clinical testing. Allele origin: germline. Affected: yes.
Comment: Nonsense variant predicted to result in protein truncation or nonsense mediated decay in a gene for which loss-of-function is a known mechanism of disease; Not observed at a significant frequency in large population cohorts (Lek et al., 2016); This variant is associated with the following publications: (PMID: 26740942)

Counsyl
Classification: Likely pathogenic for Fanconi anemia complementation group C. Last evaluated: 2014-01-02. Review status: no assertion criteria provided. Collection method: clinical testing. Allele origin: unknown. Not counted in ClinVar's aggregate classification.

Department of Pathology and Laboratory Medicine, Sinai Health System
Classification: Likely pathogenic. Review status: no assertion criteria provided. Collection method: clinical testing. Allele origin: unknown. Affected: yes. Study: The Canadian Open Genetics Repository (COGR). Not counted in ClinVar's aggregate classification.
Comment: The FANCC p.Gln357X variant was identified in 1 of 56 proband chromosomes (frequency: 0.02) from individuals or families of Italian ethnicity with Fanconi anemia (Nicchia 2015); however, an insufficient number of controls were included in these studies to determine the frequency of this variant in the general population. The variant was also identified in dbSNP (ID: rs759900071) as â€šÃ„ÃºWith Pathogenic alleleâ€šÃ„Ã¹, and in the ClinVar and Clinvitae databases as pathogenic by GeneDx. The variant was not identified in Cosmic, MutDB and LOVD 3.0 databases or in the 1000 Genomes and NHLBI GO Exome Sequencing projects. The variant was identified in control databases in 1 of 246096 chromosomes at a frequency of 0.000004 (Genome Aggregation Database Feb 27, 2017). Breakdown of the observations by population include European Non-Finnish in 1 of 111662 chromosomes (freq: 0.00001), while the variant was not observed in the African, Other, Latino, Ashkenazi Jewish, East Asian, European Finnish, and South Asian populations. The c.1069C>T variant leads to a premature stop codon at position 357, which is predicted to lead to a truncated or absent protein, and loss of function. Loss of function variants of the FANCC gene are an established mechanism of disease in Fanconi anemia and is the type of variant expected to cause the disorder. In summary, based on the above information the clinical significance of this variant cannot be determined with certainty at this time although we would lean towards a more pathogenic role for this variant. This variant is classified as likely pathogenic.

Literature cited by the submitters: PubMed 17924555 (cited by Labcorp Genetics (formerly Invitae), Labcorp); PubMed 26740942 (cited by 3 submitters).

NM_000136.3(FANCC):c.1069C>T (p.Gln357Ter)

Genes: AOPEP (aminopeptidase O (putative); plus strand), FANCC (FA complementation group C; minus strand). Cytogenetic location: 9q22.32.
Variant type: single nucleotide variant.
Coding change: c.1069C>T on transcript NM_000136.3 (MANE Select); coding-DNA position 1069, C replaced by T.
Protein change: p.Gln357Ter; replaces glutamine 357 with a stop codon.
Molecular consequence: nonsense.
Genome position (GRCh38, 1-based): chr9:95,117,318, G>A on the plus strand (C>T on the coding strand, the complement: FANCC is on the minus strand). VCF-style: chr9-95117318-G-A. GRCh37 (hg19) VCF-style: chr9-97879600-G-A.
Other names: c.1069C>T, p.Gln357Ter (NM_001243743.2, NM_001243744.2); short protein forms Q357*.
Identifiers: ClinVar variation 419252 (VCV000419252.20), dbSNP rs759900071, ClinGen allele CA5137481.